The following is an entry in ClinVar:

ClinVar aggregate classification (germline): Uncertain significance (1 of 4 stars; one submission).

Conditions:
RASopathy. Also called: Noonan spectrum disorder; rasopathies. Identifiers: Orphanet 536391, MedGen C5555857, MONDO:0021060.

Submission:

Labcorp Genetics (formerly Invitae), Labcorp
Classification: Uncertain significance for RASopathy. Last evaluated: 2023-02-04. Review status: criteria provided, single submitter. Criteria: Invitae Variant Classification Sherloc (09022015). Collection method: clinical testing. Allele origin: germline.
Comment: In summary, the available evidence is currently insufficient to determine the role of this variant in disease. Therefore, it has been classified as a Variant of Uncertain Significance. Algorithms developed to predict the effect of missense changes on protein structure and function (SIFT, PolyPhen-2, Align-GVGD) all suggest that this variant is likely to be disruptive. ClinVar contains an entry for this variant (Variation ID: 1002058). This variant has not been reported in the literature in individuals affected with RAF1-related conditions. This variant is not present in population databases (gnomAD no frequency). This sequence change replaces phenylalanine, which is neutral and non-polar, with serine, which is neutral and polar, at codon 141 of the RAF1 protein (p.Phe141Ser).

NM_002880.4(RAF1):c.422T>C (p.Phe141Ser)

Gene: RAF1 (Raf-1 proto-oncogene, serine/threonine kinase; minus strand). Cytogenetic location: 3p25.2.
Variant type: single nucleotide variant.
Coding change: c.422T>C on transcript NM_002880.4 (MANE Select); coding-DNA position 422, T replaced by C.
Protein change: p.Phe141Ser; replaces phenylalanine 141 with serine.
Molecular consequence: missense variant. On other transcripts: non-coding transcript variant (3).
Genome position (GRCh38, 1-based): chr3:12,609,234, A>G on the plus strand (T>C on the coding strand, the complement: RAF1 is on the minus strand). VCF-style: chr3-12609234-A-G. GRCh37 (hg19) VCF-style: chr3-12650733-A-G.
Other names: c.422T>C, p.Phe141Ser (NM_001354689.3, NM_001354690.3, NM_001354693.3); c.179T>C, p.Phe60Ser (NM_001354691.3, NM_001354692.3, NM_001354694.3 and 1 more transcripts); short protein forms F141S, F60S.
Identifiers: ClinVar variation 1002058 (VCV001002058.8), dbSNP rs2059135125, ClinGen allele CA351518038.